The following is an entry in ClinVar:

NM_002563.5(P2RY1):c.688T>C (p.Leu230=)

Gene: P2RY1 (purinergic receptor P2Y1; plus strand). Cytogenetic location: 3q25.2.
Variant type: single nucleotide variant.
Coding change: c.688T>C on transcript NM_002563.5 (MANE Select); coding-DNA position 688, T replaced by C.
Protein change: p.Leu230=; no amino-acid change (leucine 230 retained).
Molecular consequence: synonymous variant.
Genome position (GRCh38, 1-based): chr3:152,836,470, T>C. VCF-style: chr3-152836470-T-C. GRCh37 (hg19) VCF-style: chr3-152554259-T-C.
Other names: p.Leu230=.
Identifiers: ClinVar variation 4684731 (VCV004684731.1).

ClinVar aggregate classification (germline): Likely benign (1 of 4 stars; one submission).

gnomAD v4.1: 1,960 of 1,614,182 alleles (0.12%); highest among the groups gnomAD compares: African/African-American, 2%; 27 homozygotes.

Submission:

Mayo Clinic Laboratories, Mayo Clinic
Classification: Likely benign. Last evaluated: 2024-06-15. Review status: criteria provided, single submitter. Criteria: ACMG Guidelines, 2015. Collection method: clinical testing. Allele origin: germline. Observed: 2 variant alleles.
Comment: BS1, BP4, BP7